The following is an entry in ClinVar:

NM_213599.3(ANO5):c.1332G>A (p.Lys444=)

Gene: ANO5 (anoctamin 5; plus strand). Cytogenetic location: 11p14.3.
Variant type: single nucleotide variant.
Coding change: c.1332G>A on transcript NM_213599.3 (MANE Select); coding-DNA position 1332, G replaced by A.
Protein change: p.Lys444=; no amino-acid change (lysine 444 retained).
Molecular consequence: synonymous variant.
Genome position (GRCh38, 1-based): chr11:22,255,522, G>A. VCF-style: chr11-22255522-G-A. GRCh37 (hg19) VCF-style: chr11-22277068-G-A.
Other names: c.1329G>A, p.Lys443= (NM_001142649.2).
Identifiers: ClinVar variation 580711 (VCV000580711.11), dbSNP rs550454492, ClinGen allele CA5923197.
Genomic context (GRCh38, chr11:22,255,522, plus strand): 5'-TCAGCTGAGACCAGAATTTGAAGCTATGTGTAAACACAGGAAATTGAATGCAGTGACTAA[G>A]GTAGACTAGAAAACTGTGAAACGGACAGCATATCTCAATGGACACACTGCTATAGGTTTC-3'
Protein context (NP_998764.1, residues 434-454): CKHRKLNAVT[Lys444=]EMEPYMPLYT

ClinVar aggregate classification (germline): Conflicting classifications of pathogenicity. Review status: criteria provided, conflicting classifications (1 of 4 stars). 3 submissions from 3 submitters: Likely pathogenic (1); Uncertain significance (2). Last evaluated 2025-09-04.

Conditions:
Autosomal recessive limb-girdle muscular dystrophy type 2L (LGMDR12). Also called: MUSCULAR DYSTROPHY, LIMB-GIRDLE, AUTOSOMAL RECESSIVE 12; Limb-girdle muscular dystrophy, type 2L; Limb-Girdle Muscular Dystrophy R12 Anoctamin-5-Related (LGMD-R12). Identifiers: Orphanet 206549, MedGen C1969785, MONDO:0012652, OMIM 611307.
Gnathodiaphyseal dysplasia (GDD). Also called: GNATHODIAPHYSEAL SCLEROSIS; OSTEOGENESIS IMPERFECTA WITH UNUSUAL SKELETAL LESIONS. Identifiers: Orphanet 53697, MedGen C1833736, MONDO:0008151, OMIM 166260.

Allele frequency attached by ClinVar (database versions not stated): gnomAD exomes below 0.00001; ExAC 0.00001; gnomAD 0.00001; 1000 Genomes Project 30x 0.00016; 1000 Genomes Project 0.00020.
gnomAD v4.1: 1 of 1,612,806 alleles (0.000062%); highest among the groups gnomAD compares: East Asian, 0.0022%; no homozygotes.

Submissions (3):

Women's Health and Genetics/Laboratory Corporation of America, LabCorp
Classification: Uncertain significance. Last evaluated: 2025-09-04. Review status: criteria provided, single submitter. Criteria: LabCorp Variant Classification Summary - May 2015. Collection method: clinical testing. Allele origin: germline.
Comment: Variant summary: ANO5 c.1332G>A (p.Lys444Lys) alters a conserved nucleotide located close to a canonical splice site and therefore could affect mRNA splicing, leading to a significantly altered protein sequence. Several computational tools predict a significant impact on normal splicing: Three predict the variant abolishes a 5' splicing donor site. However, these predictions have yet to be confirmed by functional studies. The variant allele was found at a frequency of 4e-06 in 250506 control chromosomes. c.1332G>A has been observed in the homozygous state in at least 1 individual(s) affected with Limb-Girdle Muscular Dystrophy, Autosomal Recessive and in the presumed compound heterozygous state in at least 1 individual with elevated creatine kinase levels (example, Thuriot_2020, Ten Dam_2019). These data indicate that the variant may be associated with disease. To our knowledge, no experimental evidence demonstrating an impact on protein function has been reported. The following publications have been ascertained in the context of this evaluation (PMID: 32337335, 30919934). ClinVar contains an entry for this variant (Variation ID: 580711). Based on the evidence outlined above, the variant was classified as VUS-possibly pathogenic.

Labcorp Genetics (formerly Invitae), Labcorp
Classification: Uncertain significance for Autosomal recessive limb-girdle muscular dystrophy type 2L; Gnathodiaphyseal dysplasia. Last evaluated: 2025-04-22. Review status: criteria provided, single submitter. Criteria: Invitae Variant Classification Sherloc (09022015). Collection method: clinical testing. Allele origin: germline.
Comment: This sequence change affects codon 444 of the ANO5 mRNA. It is a 'silent' change, meaning that it does not change the encoded amino acid sequence of the ANO5 protein. This variant also falls at the last nucleotide of exon 13, which is part of the consensus splice site for this exon. This variant is present in population databases (rs550454492, gnomAD 0.006%). This variant has been observed in individual(s) with clinical features of autosomal recessive ANO5-related conditions (PMID: 30919934). ClinVar contains an entry for this variant (Variation ID: 580711). Variants that disrupt the consensus splice site are a relatively common cause of aberrant splicing (PMID: 17576681, 9536098). Algorithms developed to predict the effect of sequence changes on RNA splicing suggest that this variant may disrupt the consensus splice site. In summary, the available evidence is currently insufficient to determine the role of this variant in disease. Therefore, it has been classified as a Variant of Uncertain Significance.

GeneDx
Classification: Likely pathogenic. Last evaluated: 2025-03-01. Review status: criteria provided, single submitter. Criteria: GeneDx Variant Classification Process June 2021. Collection method: clinical testing. Allele origin: germline. Affected: yes.
Comment: Reported with a second ANO5 variant, phase unknown, in a patient with elevated CK levels (PMID: 30919934); Not observed at significant frequency in large population cohorts (gnomAD); Alters the last nucleotide of the exon and is predicted to destroy the splice donor site and result in aberrant splicing, although in the absence of functional evidence the actual effect of this sequence change is unknown; This variant is associated with the following publications: (PMID: 30919934)

Literature cited by the submitters: PubMed 30919934 (cited by Women's Health and Genetics/Laboratory Corporation of America, LabCorp and Labcorp Genetics (formerly Invitae), Labcorp); PubMed 32337335 (cited by Women's Health and Genetics/Laboratory Corporation of America, LabCorp); PubMed 17576681 (cited by Labcorp Genetics (formerly Invitae), Labcorp); PubMed 9536098 (cited by Labcorp Genetics (formerly Invitae), Labcorp).